The following is an entry in ClinVar:

NM_201384.3(PLEC):c.6437C>T (p.Ala2146Val)

Gene: PLEC (plectin; minus strand). Cytogenetic location: 8q24.3.
Variant type: single nucleotide variant.
Coding change: c.6437C>T on transcript NM_201384.3 (MANE Select); coding-DNA position 6437, C replaced by T.
Protein change: p.Ala2146Val; replaces alanine 2146 with valine.
Molecular consequence: missense variant.
Genome position (GRCh38, 1-based): chr8:143,923,492, G>A on the plus strand (C>T on the coding strand, the complement: PLEC is on the minus strand). VCF-style: chr8-143923492-G-A. GRCh37 (hg19) VCF-style: chr8-144997660-G-A.
Other names: c.6518C>T, p.Ala2173Val (NM_000445.5); c.6395C>T, p.Ala2132Val (NM_201378.4); c.6371C>T, p.Ala2124Val (NM_201379.3); c.6848C>T, p.Ala2283Val (NM_201380.4); c.6341C>T, p.Ala2114Val (NM_201381.3); c.6437C>T, p.Ala2146Val (NM_201382.4); c.6518C>T (NM_000445.3); c.6449C>T, p.Ala2150Val (NM_201383.3); short protein forms A2150V, A2132V, A2146V, A2173V, A2114V, A2124V, A2283V.
Identifiers: ClinVar variation 1378330 (VCV001378330.33), dbSNP rs563755990, ClinGen allele CA4925993.

ClinVar aggregate classification (germline): Uncertain significance. Review status: criteria provided, multiple submitters, no conflicts (2 of 4 stars). 3 submissions from 3 submitters: Uncertain significance (3). Last evaluated 2025-08-12.

Conditions:
Inborn genetic diseases. Identifiers: MedGen C0950123, MeSH D030342.
Epidermolysis bullosa simplex, Ogna type (EBS5A). Also called: Pidermolysis bullosa simplex 5A, Ogna type; EPIDERMOLYSIS BULLOSA SIMPLEX 5A, OGNA TYPE. Identifiers: Orphanet 79401, MedGen C0432317, MONDO:0007555, OMIM 131950.
Epidermolysis bullosa simplex 5C, with pyloric atresia (EBS5C). Also called: PLEC1-Related Epidermolysis Bullosa with Pyloric Atresia; PLEC-Related Epidermolysis Bullosa with Pyloric Atresia; Epidermolysis bullosa simplex with pyloric atresia. Identifiers: Orphanet 158684, MedGen C2677349, MONDO:0012807, OMIM 612138.
Epidermolysis bullosa simplex with nail dystrophy (EBS5D). Identifiers: MedGen C4225309, MONDO:0014661, OMIM 616487.
Autosomal recessive limb-girdle muscular dystrophy type 2Q (LGMDR17). Also called: MUSCULAR DYSTROPHY, LIMB-GIRDLE, AUTOSOMAL RECESSIVE 17. Identifiers: Orphanet 254361, MedGen C3150989, MONDO:0013390, OMIM 613723.
Epidermolysis bullosa simplex 5B, with muscular dystrophy (EBS5B). Also called: EPIDERMOLYSIS BULLOSA SIMPLEX AND LIMB-GIRDLE MUSCULAR DYSTROPHY; Epidermolysis bullosa simplex with muscular dystrophy. Identifiers: Orphanet 257, MedGen C2931072, MONDO:0009181, OMIM 226670.

Allele frequency attached by ClinVar (database versions not stated): gnomAD 0.00001 and 0.00002; TOPMed 0.00001; gnomAD exomes 0.00003 and 0.00004; ExAC 0.00007; 1000 Genomes Project 30x 0.00016; 1000 Genomes Project 0.00040.
gnomAD v4.1: 41 of 1,598,598 alleles (0.0026%); highest among the groups gnomAD compares: South Asian, 0.02%; 1 homozygote.

Submissions (3):

Ambry Genetics
Classification: Uncertain significance for Inborn genetic diseases. Last evaluated: 2025-08-12. Review status: criteria provided, single submitter. Criteria: Ambry Variant Classification Scheme 2023. Collection method: clinical testing. Allele origin: germline.

Labcorp Genetics (formerly Invitae), Labcorp
Classification: Uncertain significance for Autosomal recessive limb-girdle muscular dystrophy type 2Q; Epidermolysis bullosa simplex, Ogna type; Epidermolysis bullosa simplex with nail dystrophy; Epidermolysis bullosa simplex 5C, with pyloric atresia; Epidermolysis bullosa simplex 5B, with muscular dystrophy. Last evaluated: 2024-12-08. Review status: criteria provided, single submitter. Criteria: Invitae Variant Classification Sherloc (09022015). Collection method: clinical testing. Allele origin: germline.
Comment: This sequence change replaces alanine, which is neutral and non-polar, with valine, which is neutral and non-polar, at codon 2173 of the PLEC protein (p.Ala2173Val). This variant is present in population databases (rs563755990, gnomAD 0.01%). This variant has not been reported in the literature in individuals affected with PLEC-related conditions. ClinVar contains an entry for this variant (Variation ID: 1378330). An algorithm developed to predict the effect of missense changes on protein structure and function (PolyPhen-2) suggests that this variant is likely to be tolerated. In summary, the available evidence is currently insufficient to determine the role of this variant in disease. Therefore, it has been classified as a Variant of Uncertain Significance.

CeGaT Center for Human Genetics Tuebingen
Classification: Uncertain significance. Last evaluated: 2023-03-01. Review status: criteria provided, single submitter. Criteria: CeGaT Center For Human Genetics Tuebingen Variant Classification Criteria Version 2. Collection method: clinical testing. Allele origin: germline. Affected: yes. Observed: 1 variant allele.